The following is an entry in ClinVar:

ClinVar aggregate classification (germline): Uncertain significance (1 of 4 stars; one submission).

Conditions:
Developmental and epileptic encephalopathy, 54. Also called: Epileptic encephalopathy, early infantile, 54; HNRNPU-Related Neurodevelopmental Disorder. Identifiers: MedGen C4479319, MONDO:0033363, OMIM 617391.

Submission:

Labcorp Genetics (formerly Invitae), Labcorp
Classification: Uncertain significance for Developmental and epileptic encephalopathy, 54. Last evaluated: 2022-04-06. Review status: criteria provided, single submitter. Criteria: Invitae Variant Classification Sherloc (09022015). Collection method: clinical testing. Allele origin: germline.
Comment: In summary, the available evidence is currently insufficient to determine the role of this variant in disease. Therefore, it has been classified as a Variant of Uncertain Significance. Algorithms developed to predict the effect of missense changes on protein structure and function are either unavailable or do not agree on the potential impact of this missense change (SIFT: "Deleterious"; PolyPhen-2: "Not Available"; Align-GVGD: "Class C0"). This variant has not been reported in the literature in individuals affected with HNRNPU-related conditions. This variant is not present in population databases (gnomAD no frequency). This sequence change replaces proline, which is neutral and non-polar, with arginine, which is basic and polar, at codon 465 of the HNRNPU protein (p.Pro465Arg).

NM_031844.3(HNRNPU):c.1394C>G (p.Pro465Arg)

Gene: HNRNPU (heterogeneous nuclear ribonucleoprotein U; minus strand). Cytogenetic location: 1q44.
Variant type: single nucleotide variant.
Coding change: c.1394C>G on transcript NM_031844.3 (MANE Select); coding-DNA position 1394, C replaced by G.
Protein change: p.Pro465Arg; replaces proline 465 with arginine.
Molecular consequence: missense variant.
Genome position (GRCh38, 1-based): chr1:244,858,111, G>C on the plus strand (C>G on the coding strand, the complement: HNRNPU is on the minus strand). VCF-style: chr1-244858111-G-C. GRCh37 (hg19) VCF-style: chr1-245021413-G-C.
Other names: c.1337C>G, p.Pro446Arg (NM_004501.3); short protein forms P465R, P446R.
Identifiers: ClinVar variation 2097299 (VCV002097299.4), dbSNP rs375317302, ClinGen allele CA345491726.